The following is an entry in ClinVar:

ClinVar aggregate classification (germline): Conflicting classifications of pathogenicity. Review status: criteria provided, conflicting classifications (1 of 4 stars). 3 submissions from 3 submitters: Uncertain significance (1); Likely benign (1). 1 of the submissions does not count toward it. Last evaluated 2026-01-20.

Conditions:
Vitamin D-dependent rickets, type 1A. Also called: VITAMIN D HYDROXYLATION-DEFICIENT RICKETS, TYPE 1A; PDDR IA; PSEUDOVITAMIN D-DEFICIENCY RICKETS, TYPE IA. Identifiers: MedGen CN283242, MONDO:0020723, OMIM 264700.
CYP27B1-related disorder. Also called: CYP27B1-related condition.

gnomAD v4.1: 32 of 1,524,336 alleles (0.0021%); highest among the groups gnomAD compares: African/African-American, 0.03%; no homozygotes.

Submissions (3):

Labcorp Genetics (formerly Invitae), Labcorp
Classification: Likely benign. Last evaluated: 2026-01-20. Review status: criteria provided, single submitter. Criteria: Invitae Variant Classification Sherloc (09022015). Collection method: clinical testing. Allele origin: germline.

Fulgent Genetics
Classification: Uncertain significance for Vitamin D-dependent rickets, type 1A. Last evaluated: 2024-03-26. Review status: criteria provided, single submitter. Criteria: ACMG Guidelines, 2015. Collection method: clinical testing. Allele origin: germline.

PreventionGenetics, part of Exact Sciences
Classification: Likely benign for CYP27B1-related condition. Last evaluated: 2019-09-11. Review status: no assertion criteria provided. Collection method: clinical testing. Allele origin: germline. Not counted in ClinVar's aggregate classification.
Comment: This variant is classified as likely benign based on ACMG/AMP sequence variant interpretation guidelines (Richards et al. 2015 PMID: 25741868, with internal and published modifications).

NM_000785.4(CYP27B1):c.196-10G>T

Gene: CYP27B1 (cytochrome P450 family 27 subfamily B member 1; minus strand). Cytogenetic location: 12q14.1.
Variant type: single nucleotide variant.
Coding change: c.196-10G>T on transcript NM_000785.4 (MANE Select); 10 bases into the intron before coding-DNA position 196, G replaced by T.
Molecular consequence: intron variant.
Genome position (GRCh38, 1-based): chr12:57,766,207, C>A on the plus strand (G>T on the coding strand, the complement: CYP27B1 is on the minus strand). VCF-style: chr12-57766207-C-A. GRCh37 (hg19) VCF-style: chr12-58159990-C-A.
Other names: c.196-10G>T (NM_000785.3).
Identifiers: ClinVar variation 2967230 (VCV002967230.6), dbSNP rs751574733, ClinGen allele CA6658511.
Genomic context (GRCh38, chr12:57,766,207, plus strand): 5'-TGTCCCAAAGCTGGCTAGCCACACCGGCCCGAAGTGCGCGGCGCCCTGCACCTGGGGGAG[C>A]GGACACAGCGGACACTTGGATACCTGGGCGGGGACTTTCAGCTTGACCTGTGCCCACGCC-3'